The following is an entry in ClinVar:

ClinVar aggregate classification (germline): Uncertain significance. Review status: criteria provided, multiple submitters, no conflicts (2 of 4 stars). 2 submissions from 2 submitters: Uncertain significance (2). Last evaluated 2024-06-25.

Conditions:
Neuroblastoma, susceptibility to, 3. Also called: ALK-Related Neuroblastic Tumor Susceptibility. Identifiers: Orphanet 635, MedGen C2751681, MONDO:0013083, OMIM 613014.
Hereditary cancer-predisposing syndrome. Also called: Tumor predisposition; Hereditary neoplastic syndrome; Hereditary Cancer Syndrome; Neoplastic Syndromes, Hereditary. Identifiers: Orphanet 140162, MedGen C0027672, MeSH D009386, MONDO:0015356.

Allele frequency attached by ClinVar (database versions not stated): gnomAD exomes below 0.00001.
gnomAD v4.1: 5 of 1,614,162 alleles (0.00031%); highest among the groups gnomAD compares: South Asian, 0.0022%; no homozygotes.

Submissions (2):

Labcorp Genetics (formerly Invitae), Labcorp
Classification: Uncertain significance for Neuroblastoma, susceptibility to, 3. Last evaluated: 2024-06-25. Review status: criteria provided, single submitter. Criteria: Invitae Variant Classification Sherloc (09022015). Collection method: clinical testing. Allele origin: germline.
Comment: This sequence change replaces asparagine, which is neutral and polar, with serine, which is neutral and polar, at codon 702 of the ALK protein (p.Asn702Ser). This variant is present in population databases (no rsID available, gnomAD 0.003%). This variant has not been reported in the literature in individuals affected with ALK-related conditions. ClinVar contains an entry for this variant (Variation ID: 2315358). An algorithm developed to predict the effect of missense changes on protein structure and function (PolyPhen-2) suggests that this variant is likely to be tolerated. In summary, the available evidence is currently insufficient to determine the role of this variant in disease. Therefore, it has been classified as a Variant of Uncertain Significance.

Ambry Genetics
Classification: Uncertain significance for Hereditary cancer-predisposing syndrome. Last evaluated: 2023-12-23. Review status: criteria provided, single submitter. Criteria: Ambry Variant Classification Scheme 2023. Collection method: clinical testing. Allele origin: germline.
Comment: The p.N702S variant (also known as c.2105A>G), located in coding exon 12 of the ALK gene, results from an A to G substitution at nucleotide position 2105. The asparagine at codon 702 is replaced by serine, an amino acid with highly similar properties. This amino acid position is conserved. In addition, this alteration is predicted to be tolerated by in silico analysis. Since supporting evidence is limited at this time, the clinical significance of this alteration remains unclear.

NM_004304.5(ALK):c.2105A>G (p.Asn702Ser)

Gene: ALK (ALK receptor tyrosine kinase; minus strand). Cytogenetic location: 2p23.2.
Variant type: single nucleotide variant.
Coding change: c.2105A>G on transcript NM_004304.5 (MANE Select); coding-DNA position 2105, A replaced by G.
Protein change: p.Asn702Ser; replaces asparagine 702 with serine.
Molecular consequence: missense variant.
Genome position (GRCh38, 1-based): chr2:29,251,204, T>C on the plus strand (A>G on the coding strand, the complement: ALK is on the minus strand). VCF-style: chr2-29251204-T-C. GRCh37 (hg19) VCF-style: chr2-29474070-T-C.
Other names: short protein forms N702S.
Identifiers: ClinVar variation 2315358 (VCV002315358.4), dbSNP rs1353555846, ClinGen allele CA346477037.